The following is an entry in ClinVar:

ClinVar aggregate classification (germline): Benign. Review status: criteria provided, multiple submitters, no conflicts (2 of 4 stars). 11 submissions from 10 submitters: Benign (10). 1 of the submissions does not count toward it. Last evaluated 2026-02-04.

Conditions:
MYPN-related myopathy (CMYO24). Also called: Nemaline myopathy 11, autosomal recessive. Identifiers: MedGen C4479186, MONDO:0015023, OMIM 617336.
Cardiovascular phenotype. Identifiers: MedGen CN230736.
Dilated cardiomyopathy 1KK (CMD1KK). Identifiers: Orphanet 154, Orphanet 75249, MedGen C3714995, MONDO:0014100, OMIM 615248.

Allele frequency attached by ClinVar (database versions not stated): 1000 Genomes Project 0.48263; 1000 Genomes Project 30x 0.48345; TOPMed 0.55782; gnomAD 0.57747 and 0.57770; ESP Exome Variant Server 0.57866; ExAC 0.62267; gnomAD exomes 0.63055 and 0.67264.
gnomAD v4.1: 1,068,479 of 1,613,676 alleles (66%); highest among the groups gnomAD compares: Non-Finnish European, 70%; 361,854 homozygotes.

Submissions (11):

Labcorp Genetics (formerly Invitae), Labcorp
Classification: Benign for Dilated cardiomyopathy 1KK. Last evaluated: 2026-02-04. Review status: criteria provided, single submitter. Criteria: Invitae Variant Classification Sherloc (09022015). Collection method: clinical testing. Allele origin: germline.

Blueprint Genetics
Classification: Benign. Last evaluated: 2024-11-27. Review status: criteria provided, single submitter. Criteria: ACMG Guidelines, 2015. Collection method: clinical testing. Allele origin: germline.

Mayo Clinic Laboratories, Mayo Clinic
Classification: Benign. Last evaluated: 2022-03-24. Review status: criteria provided, single submitter. Criteria: ACMG Guidelines, 2015. Collection method: clinical testing. Allele origin: germline. Observed: 1,304 variant alleles.

Genome-Nilou Lab
Classification: Benign for Dilated cardiomyopathy 1KK. Last evaluated: 2021-09-05. Review status: criteria provided, single submitter. Criteria: ACMG Guidelines, 2015. Collection method: clinical testing. Allele origin: germline. Affected: no.

Genome-Nilou Lab
Classification: Benign for MYPN-related myopathy. Last evaluated: 2021-09-05. Review status: criteria provided, single submitter. Criteria: ACMG Guidelines, 2015. Collection method: clinical testing. Allele origin: germline. Affected: no.

Molecular Diagnostic Laboratory for Inherited Cardiovascular Disease, Montreal Heart Institute
Classification: Benign. Last evaluated: 2016-05-13. Review status: criteria provided, single submitter. Criteria: ACMG Guidelines, 2015. Collection method: clinical testing. Allele origin: germline. Affected: yes.

Ambry Genetics
Classification: Benign for Cardiovascular phenotype. Last evaluated: 2015-06-12. Review status: criteria provided, single submitter. Criteria: Ambry Variant Classification Scheme 2023. Collection method: clinical testing. Allele origin: germline.

Laboratory for Molecular Medicine, Mass General Brigham Personalized Medicine
Classification: Benign. Last evaluated: 2014-10-29. Review status: criteria provided, single submitter. Criteria: LMM Criteria. Collection method: clinical testing. Allele origin: germline. Observed: 479 variant alleles.
Comment: p.Ser549Ser in exon 11 of MYPN: This variant is not expected to have clinical si gnificance because it has been identified in 70% (5986/8600) of European America n chromosomes by the NHLBI Exome Sequencing Project (u/EVS/; dbSNP rs2673794).

GeneDx
Classification: Benign. Last evaluated: 2013-11-22. Review status: criteria provided, single submitter. Criteria: GeneDx Variant Classification (06012015). Collection method: clinical testing. Allele origin: germline. Affected: yes.
Comment: This variant is considered likely benign or benign based on one or more of the following criteria: it is a conservative change, it occurs at a poorly conserved position in the protein, it is predicted to be benign by multiple in silico algorithms, and/or has population frequency not consistent with disease.

Breakthrough Genomics
Classification: Benign. Review status: criteria provided, single submitter. Criteria: ACMG Guidelines, 2015. Collection method: not provided. Allele origin: germline. Inheritance: Autosomal recessive inheritance. Affected: yes.

Leiden Muscular Dystrophy (MYPN)
No classification provided. Last evaluated: 2012-04-27. Review status: no classification provided. Collection method: curation. Allele origin: germline. Not counted in ClinVar's aggregate classification.

Literature cited by the submitters: PubMed 18006477 (cited by Laboratory for Molecular Medicine, Mass General Brigham Personalized Medicine); PubMed 22286171 (cited by Laboratory for Molecular Medicine, Mass General Brigham Personalized Medicine).

NM_032578.4(MYPN):c.1647T>C (p.Ser549=)

Gene: MYPN (myopalladin; plus strand). Cytogenetic location: 10q21.3.
Variant type: single nucleotide variant.
Coding change: c.1647T>C on transcript NM_032578.4 (MANE Select); coding-DNA position 1647, T replaced by C.
Protein change: p.Ser549=; no amino-acid change (serine 549 retained).
Molecular consequence: synonymous variant. On other transcripts: non-coding transcript variant (2).
Genome position (GRCh38, 1-based): chr10:68,166,340, T>C. VCF-style: chr10-68166340-T-C. GRCh37 (hg19) VCF-style: chr10-69926097-T-C.
Other names: p.S549S:TCT>TCC; p.Ser549=; c.1647T>C, p.Ser549= (NM_001256267.2); c.765T>C, p.Ser255= (NM_001256268.2).
Identifiers: ClinVar variation 31795 (VCV000031795.26), dbSNP rs2673794, ClinGen allele CA215289.
Genomic context (GRCh38, chr10:68,166,340, plus strand): 5'-GATTGTCCTTTCAGGAAATGAGGACCTCAGCAACAACGGGTCTCTTCACTCAGCCAACTC[T>C]ACCACCAACCTGGCAGCTATTGAGCCACAGCCCTCCCCACCCCACTCAGAGCCTCCATCT-3'
Protein context (NP_115967.2, residues 539-559): SNNGSLHSAN[Ser549=]TTNLAAIEPQ